The following is an entry in ClinVar:

ClinVar aggregate classification (germline): Uncertain significance. Review status: criteria provided, multiple submitters, no conflicts (2 of 4 stars). 2 submissions from 2 submitters: Uncertain significance (2). Last evaluated 2025-07-12.

Conditions:
Inborn genetic diseases. Identifiers: MedGen C0950123, MeSH D030342.

Allele frequency attached by ClinVar (database versions not stated): gnomAD exomes 0.00002 and 0.00005; TOPMed 0.00008; gnomAD 0.00009 and 0.00010.
gnomAD v4.1: 78 of 1,507,690 alleles (0.0052%); highest among the groups gnomAD compares: Non-Finnish European, 0.0067%; no homozygotes.

Submissions (2):

Ambry Genetics
Classification: Uncertain significance for Inborn genetic diseases. Last evaluated: 2025-07-12. Review status: criteria provided, single submitter. Criteria: Ambry Variant Classification Scheme 2023. Collection method: clinical testing. Allele origin: germline.

GeneDx
Classification: Uncertain significance. Last evaluated: 2025-03-14. Review status: criteria provided, single submitter. Criteria: GeneDx Variant Classification Process June 2021. Collection method: clinical testing. Allele origin: germline. Affected: yes.
Comment: In silico analysis indicates that this missense variant does not alter protein structure/function; Has not been previously published as pathogenic or benign to our knowledge

NM_016366.3(CABP2):c.59T>G (p.Leu20Arg)

Gene: CABP2 (calcium binding protein 2; minus strand). Cytogenetic location: 11q13.2.
Variant type: single nucleotide variant.
Coding change: c.59T>G on transcript NM_016366.3 (MANE Select); coding-DNA position 59, T replaced by G.
Protein change: p.Leu20Arg; replaces leucine 20 with arginine.
Molecular consequence: missense variant.
Genome position (GRCh38, 1-based): chr11:67,522,700, A>C on the plus strand (T>G on the coding strand, the complement: CABP2 is on the minus strand). VCF-style: chr11-67522700-A-C. GRCh37 (hg19) VCF-style: chr11-67290171-A-C.
Other names: c.73T>G, p.Ser25Ala (NM_001318496.2); short protein forms L20R, S25A.
Identifiers: ClinVar variation 1311764 (VCV001311764.5), dbSNP rs983839082, ClinGen allele CA224145834.